The following is an entry in ClinVar:

ClinVar aggregate classification (germline): Uncertain significance. Review status: criteria provided, multiple submitters, no conflicts (2 of 4 stars). 2 submissions from 2 submitters: Uncertain significance (2). Last evaluated 2024-06-08.

Conditions:
Hereditary cancer-predisposing syndrome. Also called: Hereditary Cancer Syndrome; Tumor predisposition; Neoplastic Syndromes, Hereditary; Hereditary neoplastic syndrome. Identifiers: Orphanet 140162, MedGen C0027672, MeSH D009386, MONDO:0015356.

gnomAD v4.1: 1 of 1,612,736 alleles (0.000062%); highest among the groups gnomAD compares: Non-Finnish European, 0.000085%; no homozygotes.

Submissions (2):

Ambry Genetics
Classification: Uncertain significance for Hereditary cancer-predisposing syndrome. Last evaluated: 2024-06-08. Review status: criteria provided, single submitter. Criteria: Ambry Variant Classification Scheme 2023. Collection method: clinical testing. Allele origin: germline.
Comment: The p.E197K variant (also known as c.589G>A) is located in coding exon 5 of the CTNNA1 gene. The glutamic acid at codon 197 is replaced by lysine, an amino acid with similar properties. This change occurs in the first base pair of coding exon 5. This amino acid position is conserved. In addition, this alteration is predicted to be deleterious by in silico analysis. Based on the available evidence, the clinical significance of this variant remains unclear.

Labcorp Genetics (formerly Invitae), Labcorp
Classification: Uncertain significance. Last evaluated: 2022-04-07. Review status: criteria provided, single submitter. Criteria: Invitae Variant Classification Sherloc (09022015). Collection method: clinical testing. Allele origin: germline.
Comment: In summary, the available evidence is currently insufficient to determine the role of this variant in disease. Therefore, it has been classified as a Variant of Uncertain Significance. Algorithms developed to predict the effect of missense changes on protein structure and function are either unavailable or do not agree on the potential impact of this missense change (SIFT: "Deleterious"; PolyPhen-2: "Benign"; Align-GVGD: "Class C0"). This variant has not been reported in the literature in individuals affected with CTNNA1-related conditions. This variant is not present in population databases (gnomAD no frequency). This sequence change replaces glutamic acid, which is acidic and polar, with lysine, which is basic and polar, at codon 197 of the CTNNA1 protein (p.Glu197Lys).

NM_001903.5(CTNNA1):c.589G>A (p.Glu197Lys)

Gene: CTNNA1 (catenin alpha 1; plus strand). Cytogenetic location: 5q31.2.
Variant type: single nucleotide variant.
Coding change: c.589G>A on transcript NM_001903.5 (MANE Select); coding-DNA position 589, G replaced by A.
Protein change: p.Glu197Lys; replaces glutamic acid 197 with lysine.
Molecular consequence: missense variant.
Genome position (GRCh38, 1-based): chr5:138,824,530, G>A. VCF-style: chr5-138824530-G-A. GRCh37 (hg19) VCF-style: chr5-138160219-G-A.
Other names: c.589G>A, p.Glu197Lys (NM_001290307.3, NM_001323982.2, NM_001323983.1 and 3 more transcripts); c.280G>A, p.Glu94Lys (NM_001290309.3); c.220G>A, p.Glu74Lys (NM_001290310.3); c.589G>A (NM_001903.2); short protein forms E94K, E74K, E197K.
Identifiers: ClinVar variation 2122378 (VCV002122378.5), dbSNP rs2532422911, ClinGen allele CA361129342.